The following is an entry in ClinVar:

NM_005228.5(EGFR):c.2217A>T (p.Lys739Asn)

Gene: EGFR (epidermal growth factor receptor; plus strand). Cytogenetic location: 7p11.2.
Variant type: single nucleotide variant.
Coding change: c.2217A>T on transcript NM_005228.5 (MANE Select); coding-DNA position 2217, A replaced by T.
Protein change: p.Lys739Asn; replaces lysine 739 with asparagine.
Molecular consequence: missense variant.
Genome position (GRCh38, 1-based): chr7:55,174,754, A>T. VCF-style: chr7-55174754-A-T. GRCh37 (hg19) VCF-style: chr7-55242447-A-T.
Other names: c.2082A>T, p.Lys694Asn (NM_001346897.2, NM_001346899.2); c.2217A>T, p.Lys739Asn (NM_001346898.2); c.2058A>T, p.Lys686Asn (NM_001346900.2); c.1416A>T, p.Lys472Asn (NM_001346941.2); short protein forms K472N, K694N, K739N, K686N.
Identifiers: ClinVar variation 936228 (VCV000936228.10), dbSNP rs780083331, ClinGen allele CA4266013.

ClinVar aggregate classification (germline): Uncertain significance. Review status: criteria provided, multiple submitters, no conflicts (2 of 4 stars). 2 submissions from 2 submitters: Uncertain significance (2). Last evaluated 2025-12-31.

Conditions:
Hereditary cancer-predisposing syndrome. Also called: Tumor predisposition; Hereditary neoplastic syndrome; Hereditary Cancer Syndrome; Neoplastic Syndromes, Hereditary. Identifiers: Orphanet 140162, MedGen C0027672, MeSH D009386, MONDO:0015356.
EGFR-related lung cancer (EGFR). Identifiers: MedGen CN130014.

Allele frequency attached by ClinVar (database versions not stated): ExAC 0.00001; gnomAD 0.00001; gnomAD exomes 0.00001 and below 0.00001; TOPMed 0.00001.
gnomAD v4.1: 6 of 1,613,952 alleles (0.00037%); highest among the groups gnomAD compares: African/African-American, 0.0067%; no homozygotes.

Submissions (2):

Ambry Genetics
Classification: Uncertain significance for Hereditary cancer-predisposing syndrome. Last evaluated: 2025-12-31. Review status: criteria provided, single submitter. Criteria: Ambry Variant Classification Scheme 2023. Collection method: clinical testing. Allele origin: germline.
Comment: The p.K739N variant (also known as c.2217A>T), located in coding exon 19 of the EGFR gene, results from an A to T substitution at nucleotide position 2217. The lysine at codon 739 is replaced by asparagine, an amino acid with similar properties. This amino acid position is highly conserved in available vertebrate species. In addition, the in silico prediction for this alteration is inconclusive. Based on the available evidence, the clinical significance of this variant remains unclear.

Labcorp Genetics (formerly Invitae), Labcorp
Classification: Uncertain significance for EGFR-related lung cancer. Last evaluated: 2025-05-05. Review status: criteria provided, single submitter. Criteria: Invitae Variant Classification Sherloc (09022015). Collection method: clinical testing. Allele origin: germline.
Comment: This sequence change replaces lysine, which is basic and polar, with asparagine, which is neutral and polar, at codon 739 of the EGFR protein (p.Lys739Asn). This variant is present in population databases (rs780083331, gnomAD 0.02%). This variant has not been reported in the literature in individuals affected with EGFR-related conditions. ClinVar contains an entry for this variant (Variation ID: 936228). Invitae Evidence Modeling of protein sequence and biophysical properties (such as structural, functional, and spatial information, amino acid conservation, physicochemical variation, residue mobility, and thermodynamic stability) indicates that this missense variant is expected to disrupt EGFR protein function with a positive predictive value of 80%. In summary, the available evidence is currently insufficient to determine the role of this variant in disease. Therefore, it has been classified as a Variant of Uncertain Significance.